The following is an entry in ClinVar:

ClinVar aggregate classification (germline): Uncertain significance. Review status: criteria provided, multiple submitters, no conflicts (2 of 4 stars). 2 submissions from 2 submitters: Uncertain significance (2). Last evaluated 2024-04-26.

Conditions:
Focal segmental glomerulosclerosis 1 (FSGS1). Identifiers: Orphanet 656, MedGen C4551527, MONDO:0011303, OMIM 603278.

Submissions (2):

Labcorp Genetics (formerly Invitae), Labcorp
Classification: Uncertain significance. Last evaluated: 2024-04-26. Review status: criteria provided, single submitter. Criteria: Invitae Variant Classification Sherloc (09022015). Collection method: clinical testing. Allele origin: germline.
Comment: This sequence change replaces arginine, which is basic and polar, with cysteine, which is neutral and slightly polar, at codon 311 of the ACTN4 protein (p.Arg311Cys). This variant is not present in population databases (gnomAD no frequency). This variant has not been reported in the literature in individuals affected with ACTN4-related conditions. Advanced modeling of protein sequence and biophysical properties (such as structural, functional, and spatial information, amino acid conservation, physicochemical variation, residue mobility, and thermodynamic stability) has been performed at Invitae for this missense variant, however the output from this modeling did not meet the statistical confidence thresholds required to predict the impact of this variant on ACTN4 protein function. In summary, the available evidence is currently insufficient to determine the role of this variant in disease. Therefore, it has been classified as a Variant of Uncertain Significance.

Fulgent Genetics
Classification: Uncertain significance for Focal segmental glomerulosclerosis 1. Last evaluated: 2024-01-18. Review status: criteria provided, single submitter. Criteria: ACMG Guidelines, 2015. Collection method: clinical testing. Allele origin: germline.

NM_004924.6(ACTN4):c.931C>T (p.Arg311Cys)

Gene: ACTN4 (actinin alpha 4; plus strand). Cytogenetic location: 19q13.2.
Variant type: single nucleotide variant.
Coding change: c.931C>T on transcript NM_004924.6 (MANE Select); coding-DNA position 931, C replaced by T.
Protein change: p.Arg311Cys; replaces arginine 311 with cysteine.
Molecular consequence: missense variant.
Genome position (GRCh38, 1-based): chr19:38,717,104, C>T. VCF-style: chr19-38717104-C-T. GRCh37 (hg19) VCF-style: chr19-39207744-C-T.
Other names: c.931C>T, p.Arg311Cys (NM_001322033.2, NM_001411143.1); short protein forms R311C.
Identifiers: ClinVar variation 3583796 (VCV003583796.3).